The following is an entry in ClinVar:

ClinVar aggregate classification (germline): Pathogenic (1 of 4 stars; one submission).

Conditions:
Cystic fibrosis (CF). Also called: MUCOVISCIDOSIS. Identifiers: Orphanet 586, MedGen C0010674, MONDO:0009061, OMIM 219700. Disease mechanism: loss of function.

Submission:

Institute of Human Genetics, University of Leipzig Medical Center
Classification: Pathogenic for Cystic fibrosis. Last evaluated: 2022-09-05. Review status: criteria provided, single submitter. Criteria: ACMG Guidelines, 2015. Collection method: curation. Allele origin: unknown. Affected: yes. Observed: 1 variant allele.
Comment: The variant was classified in the context of a project re-classifying variants in the German Cystic Fibrosis Registry (Muko.e.V.). Criteria applied: PVS1, PM3_STR, PM2_SUP, PP4

NM_000492.4(CFTR):c.1159_1160del (p.Leu387fs)

Gene: CFTR (CF transmembrane conductance regulator; plus strand). Cytogenetic location: 7q31.2.
Variant type: Deletion.
Coding change: c.1159_1160del on transcript NM_000492.4 (MANE Select); coding-DNA positions 1159 to 1160, 2 bases deleted (TT; older notation c.1159_1160delTT).
Protein change: p.Leu387fs; shifts the reading frame from leucine 387.
Molecular consequence: frameshift variant.
Genome position (GRCh38, 1-based): chr7:117,542,058-117,542,059, TT deleted. VCF-style (leftmost placement, unchanged base first): chr7-117542057-CTT-C. GRCh37 (hg19) VCF-style: chr7-117182111-CTT-C.
Other names: 1291delTT; short protein forms L387fs.
Identifiers: ClinVar variation 1706077 (VCV001706077.1), dbSNP rs2485030335, ClinGen allele CA2580076474.
Genomic context (GRCh38, chr7:117,542,057, plus strand): 5'-TGCTCTCTTTTATAAATAGGATTTCTTACAAAAGCAAGAATATAAGACATTGGAATATAA[CTT>C]AACGACTACAGAAGTAGTGATGGAGAATGTAACAGCCTTCTGGGAGGAGGTCAGAATTTT-3'